The following is an entry in ClinVar:

ClinVar aggregate classification (germline): Likely benign (0 of 4 stars; one submission).

Conditions:
DNAJB2-related disorder. Also called: DNAJB2-related condition.

Allele frequency attached by ClinVar (database versions not stated): ESP Exome Variant Server 0.00023; 1000 Genomes Project 0.00060; 1000 Genomes Project 30x 0.00062.

Submission:

PreventionGenetics, part of Exact Sciences
Classification: Likely benign for DNAJB2-related condition. Last evaluated: 2022-05-12. Review status: no assertion criteria provided. Collection method: clinical testing. Allele origin: germline.
Comment: This variant is classified as likely benign based on ACMG/AMP sequence variant interpretation guidelines (Richards et al. 2015 PMID: 25741868, with internal and published modifications).

NM_006736.6(DNAJB2):c.929G>A (p.Arg310His)

Gene: DNAJB2 (DnaJ heat shock protein family (Hsp40) member B2; plus strand). Cytogenetic location: 2q35.
Variant type: single nucleotide variant.
Coding change: c.929G>A on transcript NM_006736.6 (MANE Select); coding-DNA position 929, G replaced by A.
Protein change: p.Arg310His; replaces arginine 310 with histidine.
Molecular consequence: missense variant. On other transcripts: intron variant (1).
Genome position (GRCh38, 1-based): chr2:219,284,941, G>A. VCF-style: chr2-219284941-G-A. GRCh37 (hg19) VCF-style: chr2-220149663-G-A.
Other names: c.823+106G>A (NM_001039550.2); short protein forms R310H.
Identifiers: ClinVar variation 3034950 (VCV003034950.2), dbSNP rs143306245, ClinGen allele CA2123151.